The following is an entry in ClinVar:

ClinVar aggregate classification (germline): Likely benign (0 of 4 stars; one submission).

Conditions:
DLX6-related disorder. Also called: DLX6-related condition.

Allele frequency attached by ClinVar (database versions not stated): gnomAD 0.00001; gnomAD exomes 0.00001; TOPMed 0.00001; ExAC 0.00008; 1000 Genomes Project 0.00040.
gnomAD v4.1: 12 of 1,509,188 alleles (0.0008%); highest among the groups gnomAD compares: South Asian, 0.01%; no homozygotes.

Submission:

PreventionGenetics, part of Exact Sciences
Classification: Likely benign for DLX6-related condition. Last evaluated: 2019-08-29. Review status: no assertion criteria provided. Collection method: clinical testing. Allele origin: germline.
Comment: This variant is classified as likely benign based on ACMG/AMP sequence variant interpretation guidelines (Richards et al. 2015 PMID: 25741868, with internal and published modifications).

NM_005222.4(DLX6):c.243A>G (p.Ala81=)

Genes: DLX6 (distal-less homeobox 6; plus strand), DLX6-AS1 (DLX6 antisense RNA 1; minus strand). Cytogenetic location: 7q21.3.
Variant type: single nucleotide variant.
Coding change: c.243A>G on transcript NM_005222.4 (MANE Select); coding-DNA position 243, A replaced by G.
Protein change: p.Ala81=; no amino-acid change (alanine 81 retained).
Molecular consequence: synonymous variant.
Genome position (GRCh38, 1-based): chr7:97,006,220, A>G. VCF-style: chr7-97006220-A-G. GRCh37 (hg19) VCF-style: chr7-96635532-A-G.
Identifiers: ClinVar variation 3041468 (VCV003041468.2), dbSNP rs549707573, ClinGen allele CA4353749.